The following is an entry in ClinVar:

ClinVar aggregate classification (germline): Uncertain significance. Review status: criteria provided, multiple submitters, no conflicts (2 of 4 stars). 4 submissions from 4 submitters: Uncertain significance (4). Last evaluated 2025-03-03.

Conditions:
Fanconi anemia complementation group E (FANCE). Also called: FANCE-Related Fanconi Anemia. Identifiers: Orphanet 84, MedGen C3160739, MONDO:0010953, OMIM 600901.
Fanconi anemia (FA). Also called: Fanconi's anemia. Identifiers: Orphanet 84, MedGen C0015625, MeSH D005199, MONDO:0019391.

Allele frequency attached by ClinVar (database versions not stated): TOPMed 0.00002; ESP Exome Variant Server 0.00008.
gnomAD v4.1: 23 of 1,614,030 alleles (0.0014%); highest among the groups gnomAD compares: East Asian, 0.0067%; no homozygotes.

Submissions (4):

Labcorp Genetics (formerly Invitae), Labcorp
Classification: Uncertain significance for Fanconi anemia complementation group E. Last evaluated: 2025-03-03. Review status: criteria provided, single submitter. Criteria: Invitae Variant Classification Sherloc (09022015). Collection method: clinical testing. Allele origin: germline.
Comment: This sequence change replaces valine, which is neutral and non-polar, with isoleucine, which is neutral and non-polar, at codon 105 of the FANCE protein (p.Val105Ile). This variant is present in population databases (rs373159305, gnomAD 0.02%). This variant has not been reported in the literature in individuals affected with FANCE-related conditions. ClinVar contains an entry for this variant (Variation ID: 1319661). Invitae Evidence Modeling of protein sequence and biophysical properties (such as structural, functional, and spatial information, amino acid conservation, physicochemical variation, residue mobility, and thermodynamic stability) indicates that this missense variant is not expected to disrupt FANCE protein function with a negative predictive value of 80%. In summary, the available evidence is currently insufficient to determine the role of this variant in disease. Therefore, it has been classified as a Variant of Uncertain Significance.

Fulgent Genetics
Classification: Uncertain significance for Fanconi anemia complementation group E. Last evaluated: 2024-04-20. Review status: criteria provided, single submitter. Criteria: ACMG Guidelines, 2015. Collection method: clinical testing. Allele origin: germline.

Institute for Clinical Genetics, University Hospital TU Dresden, University Hospital TU Dresden
Classification: Uncertain significance. Last evaluated: 2021-11-03. Review status: criteria provided, single submitter. Criteria: ACMG Guidelines, 2015. Collection method: clinical testing. Allele origin: germline.

Sema4
Classification: Uncertain significance for Fanconi anemia. Last evaluated: 2021-07-14. Review status: criteria provided, single submitter. Criteria: Sema4 Curation Guidelines. Collection method: curation. Allele origin: germline.
Comment: The FANCE c.313G>A (p.V105I) variant has not been reported in the literature to our knowledge. It was observed in 5/30616 chromosomes of the South Asian subpopulation in the large and broad cohorts of the Genome Aggregation Database. The variant has not been reported in ClinVar. In silico tools suggest the impact of the variant on protein function is benign, though these predictions have not been confirmed by functional studies. The evidence is insufficient to meet ACMG/AMP criteria for classifying the variant as benign or pathogenic. Thus, the clinical significance of this variant is currently uncertain.

NM_021922.3(FANCE):c.313G>A (p.Val105Ile)

Gene: FANCE (FA complementation group E; plus strand). Cytogenetic location: 6p21.31.
Variant type: single nucleotide variant.
Coding change: c.313G>A on transcript NM_021922.3 (MANE Select); coding-DNA position 313, G replaced by A.
Protein change: p.Val105Ile; replaces valine 105 with isoleucine.
Molecular consequence: missense variant.
Genome position (GRCh38, 1-based): chr6:35,455,811, G>A. VCF-style: chr6-35455811-G-A. GRCh37 (hg19) VCF-style: chr6-35423588-G-A.
Other names: short protein forms V105I.
Identifiers: ClinVar variation 1319661 (VCV001319661.10), dbSNP rs373159305, ClinGen allele CA3771382.
Genomic context (GRCh38, chr6:35,455,811, plus strand): 5'-CCACTGTTGCTGCGATTGCCCCGGATATGCCAGAGGAACCTGATGTCCCTGCTGATGGCC[G>A]TTCGGCCATCGCTGCCGGAAAGTGGGCTCCTCTCTGTGCTGCAGATTGCCCAGCAGGACC-3'
Protein context (NP_068741.1, residues 95-115): QRNLMSLLMA[Val105Ile]RPSLPESGLL